The following is an entry in ClinVar:

ClinVar aggregate classification (germline): Uncertain significance (1 of 4 stars; one submission).

Conditions:
Gastrointestinal stromal tumor. Also called: Gastrointestinal stromal tumor, somatic; Gastrointestinal stroma tumor. Identifiers: Orphanet 44890, MedGen C0238198, MeSH D046152, MONDO:0011719, OMIM 606764, HP:0100723.

Submission:

Labcorp Genetics (formerly Invitae), Labcorp
Classification: Uncertain significance for Gastrointestinal stromal tumor. Last evaluated: 2020-09-02. Review status: criteria provided, single submitter. Criteria: Invitae Variant Classification Sherloc (09022015). Collection method: clinical testing. Allele origin: germline.
Comment: This variant has not been reported in the literature in individuals with PDGFRA-related conditions. This variant is not present in population databases (ExAC no frequency). This sequence change replaces valine with leucine at codon 82 of the PDGFRA protein (p.Val82Leu). The valine residue is moderately conserved and there is a small physicochemical difference between valine and leucine. Algorithms developed to predict the effect of missense changes on protein structure and function (SIFT, PolyPhen-2, Align-GVGD) all suggest that this variant is likely to be tolerated, but these predictions have not been confirmed by published functional studies and their clinical significance is uncertain. In summary, the available evidence is currently insufficient to determine the role of this variant in disease. Therefore, it has been classified as a Variant of Uncertain Significance.

NM_006206.6(PDGFRA):c.244G>T (p.Val82Leu)

Gene: PDGFRA (platelet derived growth factor receptor alpha; plus strand). Cytogenetic location: 4q12.
Variant type: single nucleotide variant.
Coding change: c.244G>T on transcript NM_006206.6 (MANE Select); coding-DNA position 244, G replaced by T.
Protein change: p.Val82Leu; replaces valine 82 with leucine.
Molecular consequence: missense variant.
Genome position (GRCh38, 1-based): chr4:54,261,289, G>T. VCF-style: chr4-54261289-G-T. GRCh37 (hg19) VCF-style: chr4-55127456-G-T.
Other names: c.244G>T, p.Val82Leu (NM_001347827.2, NM_001347829.2); c.319G>T, p.Val107Leu (NM_001347828.2); c.283G>T, p.Val95Leu (NM_001347830.2); short protein forms V107L, V82L, V95L.
Identifiers: ClinVar variation 1016053 (VCV001016053.9), dbSNP rs768193197, ClinGen allele CA356888626.